The following is an entry in ClinVar:

ClinVar aggregate classification (germline): Uncertain significance (1 of 4 stars; one submission).

Conditions:
RYR1-related disorder. Also called: RYR1-related condition; RYR1-related disorders. Identifiers: MedGen CN239331.

Submission:

Labcorp Genetics (formerly Invitae), Labcorp
Classification: Uncertain significance for RYR1-related disorder. Last evaluated: 2023-06-24. Review status: criteria provided, single submitter. Criteria: Invitae Variant Classification Sherloc (09022015). Collection method: clinical testing. Allele origin: germline.
Comment: Advanced modeling of protein sequence and biophysical properties (such as structural, functional, and spatial information, amino acid conservation, physicochemical variation, residue mobility, and thermodynamic stability) performed at Invitae indicates that this missense variant is expected to disrupt RYR1 protein function. In summary, the available evidence is currently insufficient to determine the role of this variant in disease. Therefore, it has been classified as a Variant of Uncertain Significance. This variant has not been reported in the literature in individuals affected with RYR1-related conditions. This variant is not present in population databases (gnomAD no frequency). This sequence change replaces glutamic acid, which is acidic and polar, with valine, which is neutral and non-polar, at codon 812 of the RYR1 protein (p.Glu812Val).

NM_000540.3(RYR1):c.2435A>T (p.Glu812Val)

Gene: RYR1 (ryanodine receptor 1; plus strand). Cytogenetic location: 19q13.2.
Variant type: single nucleotide variant.
Coding change: c.2435A>T on transcript NM_000540.3 (MANE Select); coding-DNA position 2435, A replaced by T.
Protein change: p.Glu812Val; replaces glutamic acid 812 with valine.
Molecular consequence: missense variant.
Genome position (GRCh38, 1-based): chr19:38,460,449, A>T. VCF-style: chr19-38460449-A-T. GRCh37 (hg19) VCF-style: chr19-38951089-A-T.
Other names: c.2435A>T, p.Glu812Val (NM_001042723.2); short protein forms E812V.
Identifiers: ClinVar variation 2858778 (VCV002858778.3), dbSNP rs2514054824, ClinGen allele CA405629019.